The following is an entry in ClinVar:

NM_002890.3(RASA1):c.78del (p.Ser27fs)

Gene: RASA1 (RAS p21 protein activator 1; plus strand). Cytogenetic location: 5q14.3.
Variant type: Deletion.
Coding change: c.78del on transcript NM_002890.3 (MANE Select); coding-DNA position 78, one base deleted (C; older notation c.78delC).
Protein change: p.Ser27fs; shifts the reading frame from serine 27.
Molecular consequence: frameshift variant.
Genome position (GRCh38, 1-based): chr5:87,268,529, C deleted. VCF-style (leftmost placement, unchanged base first): chr5-87268528-GC-G. GRCh37 (hg19) VCF-style: chr5-86564345-GC-G.
Other names: short protein forms S27fs.
Identifiers: ClinVar variation 2042873 (VCV002042873.4), dbSNP rs2531002170, ClinGen allele CA2580073662.
Genomic context (GRCh38, chr5:87,268,528, plus strand): 5'-CCGGCAGTGAGGAGGGCGGCCCGGTAACAGCCGGAGCTGGAGGAGGCGGCGCGGCAGCGG[GC>G]TCCAGTGCCTATCCCGCAGTGTGTCGGGTGAAGATACCCGCGGCCCTGCCTGTGGCAGCC-3'

ClinVar aggregate classification (germline): Pathogenic (1 of 4 stars; one submission).

Conditions:
Capillary malformation-arteriovenous malformation syndrome. Also called: Capillary malformation-arteriovenous malformation. Identifiers: Orphanet 137667, MedGen C1842180, MONDO:0012016.

Submission:

Labcorp Genetics (formerly Invitae), Labcorp
Classification: Pathogenic for Capillary malformation-arteriovenous malformation syndrome. Last evaluated: 2021-12-14. Review status: criteria provided, single submitter. Criteria: Invitae Variant Classification Sherloc (09022015). Collection method: clinical testing. Allele origin: germline.
Comment: This variant is not present in population databases (gnomAD no frequency). This sequence change creates a premature translational stop signal (p.Ser27Profs*10) in the RASA1 gene. It is expected to result in an absent or disrupted protein product. Loss-of-function variants in RASA1 are known to be pathogenic (PMID: 24038909). This variant has not been reported in the literature in individuals affected with RASA1-related conditions. For these reasons, this variant has been classified as Pathogenic.

Literature cited by the submitters: PubMed 24038909.